The following is an entry in ClinVar:

NM_172107.4(KCNQ2):c.1024-16_1024-12del

Gene: KCNQ2 (potassium voltage-gated channel subfamily Q member 2; minus strand). Cytogenetic location: 20q13.33.
Variant type: Deletion.
Coding change: c.1024-16_1024-12del on transcript NM_172107.4 (MANE Select); 16 bases into the intron before coding-DNA position 1024 through 12 bases into the intron before coding-DNA position 1024, 5 bases deleted (GTCTT; older notation c.1024-16_1024-12delGTCTT).
Molecular consequence: intron variant.
Genome position (GRCh38, 1-based): chr20:63,433,915-63,433,919, AAGAC deleted on the plus strand (GTCTT on the coding strand, the reverse complement: KCNQ2 is on the minus strand); deleting any 5 consecutive bases within chr20:63,433,915-63,433,922 gives the same sequence; the c. name uses the placement nearest the transcript's 3' end. VCF-style (leftmost placement, unchanged base first): chr20-63433914-AAAGAC-A. GRCh37 (hg19) VCF-style: chr20-62065267-AAAGAC-A.
Other names: c.1024-16_1024-12del (NM_004518.6, NM_172108.5, NM_172106.3 and 2 more transcripts); c.1024-16_1024-12delGTCTT (NM_172107.4).
Identifiers: ClinVar variation 1929165 (VCV001929165.7), dbSNP rs1256905635, ClinGen allele CA636343916.
Genomic context (GRCh38, chr20:63,433,914, plus strand): 5'-GAGTGCAGGTCTGTGCGCGAGAGGTTGGTGGCGTAGAATCTCCAGGCCGACTGCGGAGGG[AAAGAC>A]AAGGCAGTTGGCGAGGGGCAGGCGGCGAGGGGCGCGCCCAGGAGGGCCGGGCGTGGAGGG-3'

ClinVar aggregate classification (germline): Likely benign. Review status: criteria provided, multiple submitters, no conflicts (2 of 4 stars). 2 submissions from 2 submitters: Likely benign (2). Last evaluated 2025-01-31.

Conditions:
Early-infantile DEE. Also called: Ohtahara syndrome; Early infantile epileptic encephalopathy; Early infantile epileptic encephalopathy with suppression bursts. Identifiers: Orphanet 1934, MedGen C0393706, MONDO:0800491.

Submissions (2):

Women's Health and Genetics/Laboratory Corporation of America, LabCorp
Classification: Likely benign. Last evaluated: 2025-01-31. Review status: criteria provided, single submitter. Criteria: LabCorp Variant Classification Summary - May 2015. Collection method: clinical testing. Allele origin: germline.
Comment: Variant summary: KCNQ2 c.1024-16_1024-12delGTCTT alters a non-conserved nucleotide located at a position not widely known to affect splicing. Consensus agreement among computation tools predict no significant impact on normal splicing. However, these predictions have yet to be confirmed by functional studies. The variant allele was found at a frequency of 4e-06 in 250680 control chromosomes. The available data on variant occurrences in the general population are insufficient to allow any conclusion about variant significance. To our knowledge, no occurrence of c.1024-16_1024-12delGTCTT in individuals affected with KCNQ2-Related Disorders and no experimental evidence demonstrating its impact on protein function have been reported. ClinVar contains an entry for this variant (Variation ID: 1929165). Based on the evidence outlined above, the variant was classified as likely benign.

Labcorp Genetics (formerly Invitae), Labcorp
Classification: Likely benign for Early-infantile DEE. Last evaluated: 2025-01-28. Review status: criteria provided, single submitter. Criteria: Invitae Variant Classification Sherloc (09022015). Collection method: clinical testing. Allele origin: germline.